The following is an entry in ClinVar:

NM_003705.5(SLC25A12):c.1679T>A (p.Val560Asp)

Gene: SLC25A12 (solute carrier family 25 member 12; minus strand). Cytogenetic location: 2q31.1.
Variant type: single nucleotide variant.
Coding change: c.1679T>A on transcript NM_003705.5 (MANE Select); coding-DNA position 1679, T replaced by A.
Protein change: p.Val560Asp; replaces valine 560 with aspartic acid.
Molecular consequence: missense variant. On other transcripts: non-coding transcript variant (1).
Genome position (GRCh38, 1-based): chr2:171,787,854, A>T on the plus strand (T>A on the coding strand, the complement: SLC25A12 is on the minus strand). VCF-style: chr2-171787854-A-T. GRCh37 (hg19) VCF-style: chr2-172644364-A-T.
Other names: short protein forms V560D.
Identifiers: ClinVar variation 1516167 (VCV001516167.8), dbSNP rs2105832767, ClinGen allele CA349287898.

ClinVar aggregate classification (germline): Uncertain significance (1 of 4 stars; one submission).

Submission:

Labcorp Genetics (formerly Invitae), Labcorp
Classification: Uncertain significance. Last evaluated: 2021-07-12. Review status: criteria provided, single submitter. Criteria: Invitae Variant Classification Sherloc (09022015). Collection method: clinical testing. Allele origin: germline.
Comment: In summary, the available evidence is currently insufficient to determine the role of this variant in disease. Therefore, it has been classified as a Variant of Uncertain Significance. Algorithms developed to predict the effect of missense changes on protein structure and function are either unavailable or do not agree on the potential impact of this missense change (SIFT: "Deleterious"; PolyPhen-2: "Probably Damaging"; Align-GVGD: "Class C15"). This variant has not been reported in the literature in individuals with SLC25A12-related conditions. This variant is not present in population databases (ExAC no frequency). This sequence change replaces valine with aspartic acid at codon 560 of the SLC25A12 protein (p.Val560Asp). The valine residue is highly conserved and there is a large physicochemical difference between valine and aspartic acid.